The following is an entry in ClinVar:

ClinVar aggregate classification (germline): Conflicting classifications of pathogenicity. Review status: criteria provided, conflicting classifications (1 of 4 stars). 5 submissions from 5 submitters: Likely pathogenic (3); Uncertain significance (1). 1 of the submissions does not count toward it. Last evaluated 2025-06-12.

Conditions:
Maple syrup urine disease (MSUD). Identifiers: Orphanet 511, MedGen C0024776, MeSH D008375, MONDO:0009563. Disease mechanism: loss of function.
Maple syrup urine disease type 1A (MSUD1A). Also called: MSUD type 1A. Identifiers: MedGen C1855369, MONDO:0023691, OMIM 248600.
Maple syrup urine disease type 2 (MSUD2). Also called: Maple syrup urine disease, type II. Identifiers: MedGen C1855371, MONDO:0023693, OMIM 620699.

Allele frequency attached by ClinVar (database versions not stated): gnomAD 0.00001; gnomAD exomes 0.00001 and 0.00003; TOPMed 0.00001.
gnomAD v4.1: 42 of 1,612,130 alleles (0.0026%); highest among the groups gnomAD compares: Non-Finnish European, 0.0034%; no homozygotes.

Submissions (5):

Women's Health and Genetics/Laboratory Corporation of America, LabCorp
Classification: Uncertain significance. Last evaluated: 2025-06-12. Review status: criteria provided, single submitter. Criteria: LabCorp Variant Classification Summary - May 2015. Collection method: clinical testing. Allele origin: germline.
Comment: Variant summary: DBT c.1202T>C (p.Ile401Thr) results in a non-conservative amino acid change located in the 2-oxoacid dehydrogenase acyltransferase, catalytic domain (IPR001078) of the encoded protein sequence. Algorithms developed to predict the effect of missense changes on protein structure and function are either unavailable or do not agree on the potential impact of this missense change. The variant allele was found at a frequency of 8e-06 in 251378 control chromosomes. c.1202T>C has been reported in the literature in individuals affected with Maple Syrup Urine Disease (Gorzelany_2009). These data indicate that the variant may be associated with disease. To our knowledge, no experimental evidence demonstrating an impact on protein function has been reported. The following publication has been ascertained in the context of this evaluation (PMID: 19480318). ClinVar contains an entry for this variant (Variation ID: 552910). Based on the evidence outlined above, the variant was classified as VUS-possibly pathogenic.

Fulgent Genetics
Classification: Likely pathogenic for Maple syrup urine disease type 2. Last evaluated: 2024-03-16. Review status: criteria provided, single submitter. Criteria: ACMG Guidelines, 2015. Collection method: clinical testing. Allele origin: germline.

Genome-Nilou Lab
Classification: Likely pathogenic for Maple syrup urine disease type 1A. Last evaluated: 2021-11-07. Review status: criteria provided, single submitter. Criteria: ACMG Guidelines, 2015. Collection method: clinical testing. Allele origin: germline. Affected: no.

Labcorp Genetics (formerly Invitae), Labcorp
Classification: Likely pathogenic for Maple syrup urine disease. Last evaluated: 2021-09-25. Review status: criteria provided, single submitter. Criteria: Invitae Variant Classification Sherloc (09022015). Collection method: clinical testing. Allele origin: germline.
Comment: In summary, the currently available evidence indicates that the variant is pathogenic, but additional data are needed to prove that conclusively. Therefore, this variant has been classified as Likely Pathogenic. Advanced modeling of protein sequence and biophysical properties (such as structural, functional, and spatial information, amino acid conservation, physicochemical variation, residue mobility, and thermodynamic stability) performed at Invitae indicates that this missense variant is expected to disrupt DBT protein function. ClinVar contains an entry for this variant (Variation ID: 552910). This missense change has been observed in individuals with maple syrup urine disease (PMID: 19480318). This variant is not present in population databases (ExAC no frequency). This sequence change replaces isoleucine with threonine at codon 401 of the DBT protein (p.Ile401Thr). The isoleucine residue is highly conserved and there is a moderate physicochemical difference between isoleucine and threonine.

Counsyl
Classification: Uncertain significance for Maple syrup urine disease type 1A. Last evaluated: 2017-07-18. Review status: no assertion criteria provided. Collection method: clinical testing. Allele origin: unknown. Not counted in ClinVar's aggregate classification.

Literature cited by the submitters: PubMed 19480318 (cited by 3 submitters).

NM_001918.5(DBT):c.1202T>C (p.Ile401Thr)

Gene: DBT (dihydrolipoamide branched chain transacylase E2; minus strand). Cytogenetic location: 1p21.2.
Variant type: single nucleotide variant.
Coding change: c.1202T>C on transcript NM_001918.5 (MANE Select); coding-DNA position 1202, T replaced by C.
Protein change: p.Ile401Thr; replaces isoleucine 401 with threonine.
Molecular consequence: missense variant.
Genome position (GRCh38, 1-based): chr1:100,206,452, A>G on the plus strand (T>C on the coding strand, the complement: DBT is on the minus strand). VCF-style: chr1-100206452-A-G. GRCh37 (hg19) VCF-style: chr1-100672008-A-G.
Other names: short protein forms I401T.
Identifiers: ClinVar variation 552910 (VCV000552910.18), dbSNP rs1449113689, ClinGen allele CA341330307.